The following is an entry in ClinVar:

NM_007332.3(TRPA1):c.365C>T (p.Ala122Val)

Gene: TRPA1 (transient receptor potential cation channel subfamily A member 1; minus strand). Cytogenetic location: 8q21.11.
Variant type: single nucleotide variant.
Coding change: c.365C>T on transcript NM_007332.3 (MANE Select); coding-DNA position 365, C replaced by T.
Protein change: p.Ala122Val; replaces alanine 122 with valine.
Molecular consequence: missense variant.
Genome position (GRCh38, 1-based): chr8:72,069,102, G>A on the plus strand (C>T on the coding strand, the complement: TRPA1 is on the minus strand). VCF-style: chr8-72069102-G-A. GRCh37 (hg19) VCF-style: chr8-72981337-G-A.
Other names: short protein forms A122V.
Identifiers: ClinVar variation 2212038 (VCV002212038.28), dbSNP rs61758122, ClinGen allele CA4781251.

ClinVar aggregate classification (germline): Conflicting classifications of pathogenicity. Review status: criteria provided, conflicting classifications (1 of 4 stars). 3 submissions from 3 submitters: Uncertain significance (1); Benign (1); Likely benign (1). Last evaluated 2026-03-01.

Allele frequency attached by ClinVar (database versions not stated): 1000 Genomes Project 30x 0.00031; 1000 Genomes Project 0.00040; ExAC 0.00061; TOPMed 0.00094; gnomAD 0.00095; ESP Exome Variant Server 0.00123; gnomAD exomes 0.00183.
gnomAD v4.1: 2,760 of 1,614,160 alleles (0.17%); highest among the groups gnomAD compares: Non-Finnish European, 0.23%; 3 homozygotes.

Submissions (3):

CeGaT Center for Human Genetics Tuebingen
Classification: Benign. Last evaluated: 2026-03-01. Review status: criteria provided, single submitter. Criteria: CeGaT Center For Human Genetics Tuebingen Variant Classification Criteria Version 2. Collection method: clinical testing. Allele origin: germline. Affected: yes. Observed: 5 variant alleles.
Comment: TRPA1: BP4, BS1, BS2

Women's Health and Genetics/Laboratory Corporation of America, LabCorp
Classification: Likely benign. Last evaluated: 2025-12-29. Review status: criteria provided, single submitter. Criteria: LabCorp Variant Classification Summary - May 2015. Collection method: clinical testing. Allele origin: germline.
Comment: Variant summary: TRPA1 c.365C>T (p.Ala122Val) results in a non-conservative amino acid change in the encoded protein sequence. Algorithms developed to predict the effect of missense changes on protein structure and function are either unavailable or do not agree on the potential impact of this missense change. The variant allele was found at a frequency of 0.00074 in 251490 control chromosomes, predominantly at a frequency of 0.0016 within the Non-Finnish European subpopulation in the gnomAD database. The observed variant frequency within Non-Finnish European control individuals in the gnomAD database exceeds the estimated maximal expected allele frequency for disease-causing variants in TRPA1. To our knowledge, no occurrence of c.365C>T in individuals affected with TRPA1-related conditions and no experimental evidence demonstrating its impact on protein function have been reported. ClinVar contains an entry for this variant (Variation ID: 2212038). Based on the evidence outlined above, the variant was classified as likely benign.

Ambry Genetics
Classification: Uncertain significance. Last evaluated: 2021-07-14. Review status: criteria provided, single submitter. Criteria: Ambry Variant Classification Scheme 2023. Collection method: clinical testing. Allele origin: germline.